The following is an entry in ClinVar:

ClinVar aggregate classification (germline): Conflicting classifications of pathogenicity. Review status: criteria provided, conflicting classifications (1 of 4 stars). 7 submissions from 7 submitters: Pathogenic (2); Likely pathogenic (4); Uncertain significance (1). Last evaluated 2026-07-22.

Conditions:
Retinal dystrophy. Also called: Inherited retinal dystrophy. Identifiers: Orphanet 71862, MedGen C0854723, MeSH D058499, MONDO:0019118, HP:0000556.
Charcot-Marie-Tooth Neuropathy X. Identifiers: MedGen CN118851.
Charcot-Marie-Tooth disease X-linked recessive 5 (CMTX5). Also called: ROSENBERG-CHUTORIAN SYNDROME; Optic atrophy, neural deafness, and distal neurogenic amyotrophy; OPTIC ATROPHY, POLYNEUROPATHY, AND DEAFNESS; Charcot-Marie-Tooth Neuropathy X Type 5 (CMTX5). Identifiers: Orphanet 99014, MedGen C1839566, MONDO:0010699, OMIM 311070.
Arts syndrome (ARTS). Also called: MENTAL RETARDATION, X-LINKED, SYNDROMIC 18; MENTAL RETARDATION, X-LINKED, SYNDROMIC, ARTS TYPE; ARTS SYNDROME AND PHOSPHORIBOSYLPYROPHOSPHATE SYNTHETASE SUPERACTIVITY. Identifiers: Orphanet 1187, MedGen C0796028, MONDO:0010533, OMIM 301835.
Hearing loss, X-linked 1 (DFNX1). Also called: DFNX1 Nonsyndromic Hearing Loss and Deafness; DEAFNESS, X-LINKED 1; DEAFNESS, X-LINKED 2, SENSORINEURAL CONGENITAL; DFNX1 Nonsyndromic Sensorineural Hearing Loss (DFN2). Identifiers: Orphanet 90625, MedGen C1844677, MONDO:0010577, OMIM 304500.
PRPS1-related disorder. Also called: PRPS1-related condition.

Submissions (7):

GeneDx
Classification: Pathogenic. Last evaluated: 2026-07-22. Review status: criteria provided, single submitter. Criteria: GeneDx Variant Classification Process June 2021. Collection method: clinical testing. Allele origin: germline.
Comment: In silico analysis supports that this missense variant has a deleterious effect on protein structure/function; Not observed at significant frequency in large population cohorts (gnomAD); In silico analysis is inconclusive as to whether the variant alters gene splicing. In the absence of RNA/functional studies, the actual effect of this sequence change is unknown.; This variant is associated with the following publications: (PMID: 40776556, 35741038, 39763288, 32781272, 37927483, 38224868, 39039281)

Labcorp Genetics (formerly Invitae), Labcorp
Classification: Likely pathogenic for Charcot-Marie-Tooth Neuropathy X. Last evaluated: 2023-10-20. Review status: criteria provided, single submitter. Criteria: Invitae Variant Classification Sherloc (09022015). Collection method: clinical testing. Allele origin: germline.
Comment: This sequence change replaces aspartic acid, which is acidic and polar, with valine, which is neutral and non-polar, at codon 128 of the PRPS1 protein (p.Asp128Val). This variant is not present in population databases (gnomAD no frequency). This missense change has been observed in individual(s) with Charcot-Marie-Tooth disease type 5 (PMID: 32781272). In at least one individual the variant was observed to be de novo. ClinVar contains an entry for this variant (Variation ID: 1477376). Advanced modeling of protein sequence and biophysical properties (such as structural, functional, and spatial information, amino acid conservation, physicochemical variation, residue mobility, and thermodynamic stability) performed at Invitae indicates that this missense variant is expected to disrupt PRPS1 protein function. Algorithms developed to predict the effect of sequence changes on RNA splicing suggest that this variant may disrupt the consensus splice site. In summary, the currently available evidence indicates that the variant is pathogenic, but additional data are needed to prove that conclusively. Therefore, this variant has been classified as Likely Pathogenic.

Neuberg Centre For Genomic Medicine, NCGM
Classification: Likely pathogenic for Arts syndrome. Last evaluated: 2023-05-20. Review status: criteria provided, single submitter. Criteria: ACMG Guidelines, 2015. Collection method: clinical testing. Allele origin: germline. Inheritance: X-linked recessive inheritance. Affected: yes.
Comment: The observed missense c.383A>T (p.Asp128Val) variant in PRPS1 gene has been reported previously in an individual affected with PRPS1-related disorders (Mercati et al., 2020). The p.Asp128Val variant is absent in gnomAD Exomes. This variant has been submitted to the ClinVar database as Likely Pathogenic. Computational evidence (Polyphen - Benign, SIFT - Damaging and MutationTaster - Disease causing) predicts conflicting evidence on protein structure and function for this variant. The reference amino acid of p.Asp128Val in PRPS1 is predicted as conserved by GERP++ and PhyloP across 100 vertebrates. The amino acid Asp at position 128 is changed to a Val changing protein sequence and it might alter its composition and physico-chemical properties. However, additional functional studies will be required to prove the pathogenicity of this variant. For these reasons, this variant has been classified as Likely Pathogenic.

Institute of Medical Genetics and Applied Genomics, University Hospital Tübingen
Classification: Likely pathogenic for Charcot-Marie-Tooth disease X-linked recessive 5. Last evaluated: 2023-04-27. Review status: criteria provided, single submitter. Criteria: ACMG Guidelines, 2015. Collection method: clinical testing. Allele origin: germline. Inheritance: X-linked dominant inheritance. Affected: yes.

Blueprint Genetics
Classification: Pathogenic for PRPS1-related disorders. Last evaluated: 2023-04-19. Review status: criteria provided, single submitter. Criteria: ACMG Guidelines, 2015. Collection method: clinical testing. Allele origin: germline. Affected: yes. Observed: 5 variant alleles.

Institute of Human Genetics, Univ. Regensburg, Univ. Regensburg
Classification: Uncertain significance for Retinal dystrophy. Last evaluated: 2023-01-01. Review status: criteria provided, single submitter. Criteria: ACMG Guidelines, 2015. Collection method: clinical testing. Allele origin: germline. Affected: yes.

Clinical Genetics Service, Universitary Hospital 12 de Octubre
Classification: Likely pathogenic for Hearing loss, X-linked 1. Review status: criteria provided, single submitter. Criteria: ACMG Guidelines, 2015. Collection method: clinical testing. Allele origin: paternal. Affected: yes.

Literature cited by the submitters: PubMed 32781272 (cited by Labcorp Genetics (formerly Invitae), Labcorp and Institute of Human Genetics, Univ. Regensburg, Univ. Regensburg); PubMed 3278127 (cited by Institute of Human Genetics, Univ. Regensburg, Univ. Regensburg).

NM_002764.4(PRPS1):c.383A>T (p.Asp128Val)

Gene: PRPS1 (phosphoribosyl pyrophosphate synthetase 1; plus strand). Cytogenetic location: Xq22.3.
Variant type: single nucleotide variant.
Coding change: c.383A>T on transcript NM_002764.4 (MANE Select); coding-DNA position 383, A replaced by T.
Protein change: p.Asp128Val; replaces aspartic acid 128 with valine.
Molecular consequence: missense variant. On other transcripts: intron variant (1).
Genome position (GRCh38, 1-based): chrX:107,640,978, A>T. VCF-style: chrX-107640978-A-T. GRCh37 (hg19) VCF-style: chrX-106884208-A-T.
Other names: c.383A>T (NM_002764.3); c.-82-4199A>T (NM_001204402.2); short protein forms D128V.
Identifiers: ClinVar variation 1477376 (VCV001477376.17), dbSNP rs2147682409, ClinGen allele CA413807347.